The following is an entry in ClinVar:

ClinVar aggregate classification (germline): Likely pathogenic (1 of 4 stars; one submission).

Conditions:
Cystic fibrosis (CF). Also called: MUCOVISCIDOSIS. Identifiers: Orphanet 586, MedGen C0010674, MONDO:0009061, OMIM 219700. Disease mechanism: loss of function.

Submission:

Myriad Genetics, Inc.
Classification: Likely pathogenic for Cystic fibrosis. Last evaluated: 2022-02-17. Review status: criteria provided, single submitter. Criteria: Myriad Women's Health Autosomal Recessive and X-Linked Classification Criteria (2021). Collection method: clinical testing. Allele origin: unknown.
Comment: NM_000492.3(CFTR):c.1735_1736delGA(D579Cfs*9) is expected to be pathogenic in the context of cystic fibrosis. This variant is predicted to lead to an abnormal or absent protein product due to the creation of a premature termination codon in CFTR, a gene where loss-of-function variants are known to be pathogenic. Please note: this variant was assessed in the context of healthy population screening.

NM_000492.4(CFTR):c.1735_1736del (p.Asp579fs)

Gene: CFTR (CF transmembrane conductance regulator; plus strand). Cytogenetic location: 7q31.2.
Variant type: Deletion.
Coding change: c.1735_1736del on transcript NM_000492.4 (MANE Select); coding-DNA positions 1735 to 1736, 2 bases deleted (GA; older notation c.1735_1736delGA).
Protein change: p.Asp579fs; shifts the reading frame from aspartic acid 579.
Molecular consequence: frameshift variant.
Genome position (GRCh38, 1-based): chr7:117,590,408-117,590,409, GA deleted; deleting any 2 consecutive bases within chr7:117,590,407-117,590,409 gives the same sequence; the c. name uses the placement nearest the transcript's 3' end. VCF-style (leftmost placement, unchanged base first): chr7-117590406-TAG-T. GRCh37 (hg19) VCF-style: chr7-117230460-TAG-T.
Other names: short protein forms D579fs.
Identifiers: ClinVar variation 1724451 (VCV001724451.2), dbSNP rs2485107405, ClinGen allele CA2580076476.